The following is an entry in ClinVar:

ClinVar aggregate classification (germline): Likely benign (1 of 4 stars; one submission).

Allele frequency attached by ClinVar (database versions not stated): 1000 Genomes Project 30x 0.00094; 1000 Genomes Project 0.00140; TOPMed 0.00407; gnomAD 0.00411; ExAC 0.00444; ESP Exome Variant Server 0.00489.
gnomAD v4.1: 9,795 of 1,611,182 alleles (0.61%); highest among the groups gnomAD compares: Non-Finnish European, 0.73%; 40 homozygotes.

Submission:

CeGaT Center for Human Genetics Tuebingen
Classification: Likely benign. Last evaluated: 2023-03-01. Review status: criteria provided, single submitter. Criteria: CeGaT Center For Human Genetics Tuebingen Variant Classification Criteria Version 2. Collection method: clinical testing. Allele origin: germline. Affected: yes. Observed: 1 variant allele.
Comment: SNX29: BP4, BS2

NM_032167.5(SNX29):c.1511C>T (p.Ala504Val)

Gene: SNX29 (sorting nexin 29; plus strand). Cytogenetic location: 16p13.13.
Variant type: single nucleotide variant.
Coding change: c.1511C>T on transcript NM_032167.5 (MANE Select); coding-DNA position 1511, C replaced by T.
Protein change: p.Ala504Val; replaces alanine 504 with valine.
Molecular consequence: missense variant.
Genome position (GRCh38, 1-based): chr16:12,129,674, C>T. VCF-style: chr16-12129674-C-T. GRCh37 (hg19) VCF-style: chr16-12223531-C-T.
Other names: c.1511C>T, p.Ala504Val (NM_001376490.1); short protein forms A504V.
Identifiers: ClinVar variation 2646236 (VCV002646236.24), dbSNP rs201891583, ClinGen allele CA7908835.